The following is an entry in ClinVar:

ClinVar aggregate classification (germline): Uncertain significance (1 of 4 stars; one submission).

Allele frequency attached by ClinVar (database versions not stated): gnomAD exomes below 0.00001 and 0.00001; TOPMed below 0.00001; ExAC 0.00001.
gnomAD v4.1: 12 of 1,613,848 alleles (0.00074%); highest among the groups gnomAD compares: Non-Finnish European, 0.00085%; no homozygotes.

Submission:

GeneDx
Classification: Uncertain significance. Last evaluated: 2019-05-20. Review status: criteria provided, single submitter. Criteria: GeneDx Variant Classification Process June 2021. Collection method: clinical testing. Allele origin: germline. Affected: yes.
Comment: Not observed in large population cohorts (Lek et al., 2016); In silico analysis, which includes protein predictors and evolutionary conservation, supports a deleterious effect; Has not been previously published as pathogenic or benign to our knowledge

NM_006015.6(ARID1A):c.1786C>T (p.Arg596Cys)

Gene: ARID1A (AT-rich interaction domain 1A; plus strand). Cytogenetic location: 1p36.11.
Variant type: single nucleotide variant.
Coding change: c.1786C>T on transcript NM_006015.6 (MANE Select); coding-DNA position 1786, C replaced by T.
Protein change: p.Arg596Cys; replaces arginine 596 with cysteine.
Molecular consequence: missense variant.
Genome position (GRCh38, 1-based): chr1:26,731,587, C>T. VCF-style: chr1-26731587-C-T. GRCh37 (hg19) VCF-style: chr1-27058078-C-T.
Other names: c.1786C>T, p.Arg596Cys (NM_139135.4); short protein forms R596C.
Identifiers: ClinVar variation 1305787 (VCV001305787.2), dbSNP rs763739196, ClinGen allele CA706842.